The following is an entry in ClinVar:

ClinVar aggregate classification (germline): Uncertain significance (1 of 4 stars; one submission).

Submission:

Labcorp Genetics (formerly Invitae), Labcorp
Classification: Uncertain significance. Last evaluated: 2025-05-19. Review status: criteria provided, single submitter. Criteria: Invitae Variant Classification Sherloc (09022015). Collection method: clinical testing. Allele origin: germline.
Comment: This variant, c.1671_1685dup, results in the insertion of 5 amino acid(s) of the PRDM13 protein (p.Gly559_Gly563dup), but otherwise preserves the integrity of the reading frame. This variant is not present in population databases (gnomAD no frequency). This variant has not been reported in the literature in individuals affected with PRDM13-related conditions. Experimental studies and prediction algorithms are not available or were not evaluated, and the functional significance of this variant is currently unknown. In summary, the available evidence is currently insufficient to determine the role of this variant in disease. Therefore, it has been classified as a Variant of Uncertain Significance.

NM_021620.4(PRDM13):c.1671_1685dup (p.Gly563_Ser564insGlyGlySerGlyGly)

Gene: PRDM13 (PR/SET domain 13; plus strand). Cytogenetic location: 6q16.2.
Variant type: Duplication.
Coding change: c.1671_1685dup on transcript NM_021620.4 (MANE Select); coding-DNA positions 1671 to 1685, 15 bases duplicated (GGGCGGCGGCAGCGG).
Protein change: p.Gly563_Ser564insGlyGlySerGlyGly.
Molecular consequence: inframe insertion.
Genome position (GRCh38, 1-based): chr6:99,614,306-99,614,320, GGGCGGCGGCAGCGG duplicated; duplicating any 15 consecutive bases within chr6:99,614,303-99,614,320 gives the same sequence; the c. name uses the placement nearest the transcript's 3' end. VCF-style (leftmost placement, unchanged base first): chr6-99614302-C-CCGGGGGCGGCGGCAG. GRCh37 (hg19) VCF-style: chr6-100062178-C-CCGGGGGCGGCGGCAG.
Identifiers: ClinVar variation 4719859 (VCV004719859.1).